The following is an entry in ClinVar:

ClinVar aggregate classification (germline): Uncertain significance. Review status: criteria provided, multiple submitters, no conflicts (2 of 4 stars). 2 submissions from 2 submitters: Uncertain significance (2). Last evaluated 2026-01-24.

Allele frequency attached by ClinVar (database versions not stated): ExAC 0.00001; TOPMed 0.00001; gnomAD exomes 0.00002.
gnomAD v4.1: 29 of 1,614,066 alleles (0.0018%); highest among the groups gnomAD compares: Non-Finnish European, 0.0023%; no homozygotes.

Submissions (2):

Labcorp Genetics (formerly Invitae), Labcorp
Classification: Uncertain significance. Last evaluated: 2026-01-24. Review status: criteria provided, single submitter. Criteria: Invitae Variant Classification Sherloc (09022015). Collection method: clinical testing. Allele origin: germline.
Comment: This sequence change replaces arginine, which is basic and polar, with tryptophan, which is neutral and slightly polar, at codon 511 of the IGF1R protein (p.Arg511Trp). This variant is present in population databases (rs767278224, gnomAD 0.006%). This missense change has been observed in individual(s) with growth retardation (PMID: 22998174). ClinVar contains an entry for this variant (Variation ID: 2736265). Invitae Evidence Modeling of protein sequence and biophysical properties (such as structural, functional, and spatial information, amino acid conservation, physicochemical variation, residue mobility, and thermodynamic stability) has been performed for this missense variant. However, the output from this modeling did not meet the statistical confidence thresholds required to predict the impact of this variant on IGF1R protein function. In summary, the available evidence is currently insufficient to determine the role of this variant in disease. Therefore, it has been classified as a Variant of Uncertain Significance.

Blueprint Genetics
Classification: Uncertain significance. Last evaluated: 2024-03-20. Review status: criteria provided, single submitter. Criteria: ACMG Guidelines, 2015. Collection method: clinical testing. Allele origin: germline.

Literature cited by the submitters: PubMed 22998174 (cited by Labcorp Genetics (formerly Invitae), Labcorp).

NM_000875.5(IGF1R):c.1531C>T (p.Arg511Trp)

Gene: IGF1R (insulin like growth factor 1 receptor; plus strand). Cytogenetic location: 15q26.3.
Variant type: single nucleotide variant.
Coding change: c.1531C>T on transcript NM_000875.5 (MANE Select); coding-DNA position 1531, C replaced by T.
Protein change: p.Arg511Trp; replaces arginine 511 with tryptophan.
Molecular consequence: missense variant.
Genome position (GRCh38, 1-based): chr15:98,911,383, C>T. VCF-style: chr15-98911383-C-T. GRCh37 (hg19) VCF-style: chr15-99454612-C-T.
Other names: c.1531C>T, p.Arg511Trp (NM_001291858.2); short protein forms R511W.
Identifiers: ClinVar variation 2736265 (VCV002736265.4), dbSNP rs767278224, ClinGen allele CA7752122.